The following is an entry in ClinVar:

ClinVar aggregate classification (germline): Likely benign (0 of 4 stars; one submission).

Conditions:
DYRK1B-related disorder. Also called: DYRK1B-related condition.

gnomAD v4.1: 1 of 1,613,956 alleles (0.000062%); highest among the groups gnomAD compares: Non-Finnish European, 0.000085%; no homozygotes.

Submission:

PreventionGenetics, part of Exact Sciences
Classification: Likely benign for DYRK1B-related condition. Last evaluated: 2024-08-31. Review status: no assertion criteria provided. Collection method: clinical testing. Allele origin: germline.
Comment: This variant is classified as likely benign based on ACMG/AMP sequence variant interpretation guidelines (Richards et al. 2015 PMID: 25741868, with internal and published modifications).

NM_004714.3(DYRK1B):c.475C>T (p.Leu159=)

Gene: DYRK1B (dual specificity tyrosine phosphorylation regulated kinase 1B; minus strand). Cytogenetic location: 19q13.2.
Variant type: single nucleotide variant.
Coding change: c.475C>T on transcript NM_004714.3 (MANE Select); coding-DNA position 475, C replaced by T.
Protein change: p.Leu159=; no amino-acid change (leucine 159 retained).
Molecular consequence: synonymous variant.
Genome position (GRCh38, 1-based): chr19:39,829,925, G>A on the plus strand (C>T on the coding strand, the complement: DYRK1B is on the minus strand). VCF-style: chr19-39829925-G-A. GRCh37 (hg19) VCF-style: chr19-40320565-G-A.
Other names: c.475C>T, p.Leu159= (NM_006483.3, NM_006484.3).
Identifiers: ClinVar variation 3357777 (VCV003357777.1).